The following is an entry in ClinVar:

NM_001379500.1(COL18A1):c.3083C>T (p.Ser1028Leu)

Genes: COL18A1 (collagen type XVIII alpha 1 chain; plus strand), SLC19A1 (solute carrier family 19 member 1; minus strand). Cytogenetic location: 21q22.3.
Variant type: single nucleotide variant.
Coding change: c.3083C>T on transcript NM_001379500.1 (MANE Select); coding-DNA position 3083, C replaced by T.
Protein change: p.Ser1028Leu; replaces serine 1028 with leucine.
Molecular consequence: missense variant.
Genome position (GRCh38, 1-based): chr21:45,505,427, C>T. VCF-style: chr21-45505427-C-T. GRCh37 (hg19) VCF-style: chr21-46925341-C-T.
Other names: c.3614C>T, p.Ser1205Leu (NM_030582.4); c.4319C>T, p.Ser1440Leu (NM_130444.3); short protein forms S1205L, S1440L, S1028L.
Identifiers: ClinVar variation 2876766 (VCV002876766.3), dbSNP rs2517795259, ClinGen allele CA410499795.

ClinVar aggregate classification (germline): Uncertain significance (1 of 4 stars; one submission).

Submission:

Labcorp Genetics (formerly Invitae), Labcorp
Classification: Uncertain significance. Last evaluated: 2022-12-24. Review status: criteria provided, single submitter. Criteria: Invitae Variant Classification Sherloc (09022015). Collection method: clinical testing. Allele origin: germline.
Comment: This variant is not present in population databases (gnomAD no frequency). This sequence change replaces serine, which is neutral and polar, with leucine, which is neutral and non-polar, at codon 1025 of the COL18A1 protein (p.Ser1025Leu). This variant has not been reported in the literature in individuals affected with COL18A1-related conditions. In summary, the available evidence is currently insufficient to determine the role of this variant in disease. Therefore, it has been classified as a Variant of Uncertain Significance. Algorithms developed to predict the effect of missense changes on protein structure and function output the following: SIFT: "Not Available"; PolyPhen-2: "Not Available"; Align-GVGD: "Not Available". The leucine amino acid residue is found in multiple mammalian species, which suggests that this missense change does not adversely affect protein function.